The following is an entry in ClinVar:

NM_000891.3(KCNJ2):c.883G>A (p.Val295Met)

Gene: KCNJ2 (potassium inwardly rectifying channel subfamily J member 2; plus strand). Cytogenetic location: 17q24.3.
Variant type: single nucleotide variant.
Coding change: c.883G>A on transcript NM_000891.3 (MANE Select); coding-DNA position 883, G replaced by A.
Protein change: p.Val295Met; replaces valine 295 with methionine.
Molecular consequence: missense variant.
Genome position (GRCh38, 1-based): chr17:70,175,922, G>A. VCF-style: chr17-70175922-G-A. GRCh37 (hg19) VCF-style: chr17-68172063-G-A.
Other names: short protein forms V295M.
Identifiers: ClinVar variation 948159 (VCV000948159.7), dbSNP rs2074389817, ClinGen allele CA400862528.
Genomic context (GRCh38, chr17:70,175,922, plus strand): 5'-GAAGACAGTCCTTTATATGATTTGAGTAAACAGGACATTGACAACGCAGACTTTGAAATC[G>A]TGGTCATACTGGAAGGCATGGTGGAAGCCACTGCCATGACGACACAGTGCCGTAGCTCTT-3'
Protein context (NP_000882.1, residues 285-305): QDIDNADFEI[Val295Met]VILEGMVEAT

ClinVar aggregate classification (germline): Uncertain significance (1 of 4 stars; one submission).

Conditions:
Andersen Tawil syndrome (LQT7). Also called: Andersen Syndrome; LONG QT SYNDROME 7; ANDERSEN CARDIODYSRHYTHMIC PERIODIC PARALYSIS; PERIODIC PARALYSIS, POTASSIUM-SENSITIVE CARDIODYSRHYTHMIC TYPE; Potassium-sensitive periodic paralysis, ventricular ectopy, and dysmorphic features. Identifiers: Orphanet 37553, MedGen C1563715, MONDO:0008222, OMIM 170390.
Short QT syndrome type 3. Identifiers: Orphanet 51083, MedGen C1865018, MONDO:0012314, OMIM 609622.

Allele frequency attached by ClinVar (database versions not stated): gnomAD exomes below 0.00001; gnomAD 0.00001.

Submission:

Labcorp Genetics (formerly Invitae), Labcorp
Classification: Uncertain significance for Short QT syndrome type 3; Andersen Tawil syndrome. Last evaluated: 2023-07-25. Review status: criteria provided, single submitter. Criteria: Invitae Variant Classification Sherloc (09022015). Collection method: clinical testing. Allele origin: germline.
Comment: In summary, the available evidence is currently insufficient to determine the role of this variant in disease. Therefore, it has been classified as a Variant of Uncertain Significance. Advanced modeling of protein sequence and biophysical properties (such as structural, functional, and spatial information, amino acid conservation, physicochemical variation, residue mobility, and thermodynamic stability) performed at Invitae indicates that this missense variant is expected to disrupt KCNJ2 protein function. ClinVar contains an entry for this variant (Variation ID: 948159). This variant has not been reported in the literature in individuals affected with KCNJ2-related conditions. This variant is not present in population databases (gnomAD no frequency). This sequence change replaces valine, which is neutral and non-polar, with methionine, which is neutral and non-polar, at codon 295 of the KCNJ2 protein (p.Val295Met).